The following is an entry in ClinVar:

NM_001202.6(BMP4):c.224A>G (p.Lys75Arg)

Gene: BMP4 (bone morphogenetic protein 4; minus strand). Cytogenetic location: 14q22.2.
Variant type: single nucleotide variant.
Coding change: c.224A>G on transcript NM_001202.6 (MANE Select); coding-DNA position 224, A replaced by G.
Protein change: p.Lys75Arg; replaces lysine 75 with arginine.
Molecular consequence: missense variant.
Genome position (GRCh38, 1-based): chr14:53,951,999, T>C on the plus strand (A>G on the coding strand, the complement: BMP4 is on the minus strand). VCF-style: chr14-53951999-T-C. GRCh37 (hg19) VCF-style: chr14-54418717-T-C.
Other names: c.365A>G, p.Lys122Arg (NM_001347912.1); c.35A>G, p.Lys12Arg (NM_001347913.2, NM_001347915.2, NM_001347917.1); c.224A>G, p.Lys75Arg (NM_001347914.2, NM_001347916.1, NM_130850.5 and 1 more transcripts); short protein forms K75R, K12R, K122R.
Identifiers: ClinVar variation 313353 (VCV000313353.12), dbSNP rs777501416, ClinGen allele CA7191807.

ClinVar aggregate classification (germline): Uncertain significance. Review status: criteria provided, multiple submitters, no conflicts (2 of 4 stars). 4 submissions from 4 submitters: Uncertain significance (4). Last evaluated 2025-12-03.

Conditions:
Orofacial cleft 11 (OFC11). Also called: Orofacial cleft 11; ofc11; CLEFT LIP WITH OR WITHOUT CLEFT PALATE, NONSYNDROMIC, 11. Identifiers: MedGen C2677434, MONDO:0010906, OMIM 600625.
Microphthalmia with brain and digit anomalies (MCOPS6). Also called: MICROPHTHALMIA AND PITUITARY ANOMALIES; Microphthalmia, syndromic 6. Identifiers: Orphanet 139471, MedGen C1864689, MONDO:0011936, OMIM 607932.

Allele frequency attached by ClinVar (database versions not stated): ExAC 0.00001; gnomAD 0.00001 and 0.00003; TOPMed 0.00001; gnomAD exomes 0.00002 and 0.00010.
gnomAD v4.1: 154 of 1,613,714 alleles (0.0095%); highest among the groups gnomAD compares: East Asian, 0.34%; 2 homozygotes.

Submissions (4):

Labcorp Genetics (formerly Invitae), Labcorp
Classification: Uncertain significance for Microphthalmia with brain and digit anomalies; Orofacial cleft 11. Last evaluated: 2025-12-03. Review status: criteria provided, single submitter. Criteria: Invitae Variant Classification Sherloc (09022015). Collection method: clinical testing. Allele origin: germline.
Comment: This sequence change replaces lysine, which is basic and polar, with arginine, which is basic and polar, at codon 75 of the BMP4 protein (p.Lys75Arg). This variant is present in population databases (rs777501416, gnomAD 0.02%). This variant has not been reported in the literature in individuals affected with BMP4-related conditions. ClinVar contains an entry for this variant (Variation ID: 313353). Invitae Evidence Modeling of protein sequence and biophysical properties (such as structural, functional, and spatial information, amino acid conservation, physicochemical variation, residue mobility, and thermodynamic stability) indicates that this missense variant is not expected to disrupt BMP4 protein function with a negative predictive value of 80%. In summary, the available evidence is currently insufficient to determine the role of this variant in disease. Therefore, it has been classified as a Variant of Uncertain Significance.

Fulgent Genetics
Classification: Uncertain significance for Orofacial cleft 11; Microphthalmia with brain and digit anomalies. Last evaluated: 2022-02-02. Review status: criteria provided, single submitter. Criteria: ACMG Guidelines, 2015. Collection method: clinical testing. Allele origin: unknown.

Illumina Laboratory Services, Illumina
Classification: Uncertain significance for Orofacial cleft 11. Last evaluated: 2018-01-12. Review status: criteria provided, single submitter. Criteria: ICSL Variant Classification Criteria 13 December 2019. Collection method: clinical testing. Allele origin: germline.

GeneDx
Classification: Uncertain significance. Last evaluated: 2016-06-23. Review status: criteria provided, single submitter. Criteria: GeneDx Variant Classification (06012015). Collection method: clinical testing. Allele origin: germline. Affected: yes.
Comment: The K75R variant in the BMP4 gene has not been reported previously as a pathogenic variant, nor as a benign variant, to our knowledge. The K75R variant was not observed in approximately 6500 individuals of European and African American ancestry in the NHLBI Exome Sequencing Project, indicating it is not a common benign variant in these populations. The K75R variant is a conservative amino acid substitution, which is not likely to impact secondary protein structure as these residues share similar properties. This substitution occurs at a position where amino acids with similar properties to Lysine are tolerated across species. In silico analysis is inconsistent in its predictions as to whether or not the variant is damaging to the protein structure/function. Therefore, we interpret K75R as a variant of uncertain significance.